The following is an entry in ClinVar:

ClinVar aggregate classification (germline): Uncertain significance (1 of 4 stars; one submission).

Conditions:
Severe combined immunodeficiency due to LCK deficiency. Also called: Immunodeficiency 22. Identifiers: Orphanet 280142, MedGen C4014233, MONDO:0014334, OMIM 615758.

gnomAD v4.1: 19 of 1,613,158 alleles (0.0012%); highest among the groups gnomAD compares: Non-Finnish European, 0.0015%; no homozygotes.

Submission:

Labcorp Genetics (formerly Invitae), Labcorp
Classification: Uncertain significance for Severe combined immunodeficiency due to LCK deficiency. Last evaluated: 2025-01-27. Review status: criteria provided, single submitter. Criteria: Invitae Variant Classification Sherloc (09022015). Collection method: clinical testing. Allele origin: germline.
Comment: This sequence change replaces glutamine, which is neutral and polar, with arginine, which is basic and polar, at codon 309 of the LCK protein (p.Gln309Arg). This variant is not present in population databases (gnomAD no frequency). This variant has not been reported in the literature in individuals affected with LCK-related conditions. An algorithm developed to predict the effect of missense changes on protein structure and function (PolyPhen-2) suggests that this variant¬†is likely to be tolerated. In summary, the available evidence is currently insufficient to determine the role of this variant in disease. Therefore, it has been classified as a Variant of Uncertain Significance.

NM_005356.5(LCK):c.926A>G (p.Gln309Arg)

Gene: LCK (LCK proto-oncogene, Src family tyrosine kinase; plus strand). Cytogenetic location: 1p35.2.
Variant type: single nucleotide variant.
Coding change: c.926A>G on transcript NM_005356.5 (MANE Select); coding-DNA position 926, A replaced by G.
Protein change: p.Gln309Arg; replaces glutamine 309 with arginine.
Molecular consequence: missense variant.
Genome position (GRCh38, 1-based): chr1:32,276,748, A>G. VCF-style: chr1-32276748-A-G. GRCh37 (hg19) VCF-style: chr1-32742349-A-G.
Other names: c.926A>G, p.Gln309Arg (NM_001042771.3); c.773A>G, p.Gln258Arg (NM_001330468.2); short protein forms Q258R, Q309R.
Identifiers: ClinVar variation 3705267 (VCV003705267.1).